The following is an entry in ClinVar:

ClinVar aggregate classification (germline): Uncertain significance (1 of 4 stars; one submission).

Conditions:
Inborn genetic diseases. Identifiers: MedGen C0950123, MeSH D030342.

Submission:

Ambry Genetics
Classification: Uncertain significance for Inborn genetic diseases. Last evaluated: 2025-08-22. Review status: criteria provided, single submitter. Criteria: Ambry Variant Classification Scheme 2023. Collection method: clinical testing. Allele origin: germline.
Comment: The p.S148R variant (also known as c.444C>G), located in coding exon 2 of the GATA2 gene, results from a C to G substitution at nucleotide position 444. The serine at codon 148 is replaced by arginine, an amino acid with dissimilar properties. This amino acid position is conserved. In addition, the in silico prediction for this alteration is inconclusive. Based on the available evidence, the clinical significance of this variant remains unclear.

NM_032638.5(GATA2):c.444C>G (p.Ser148Arg)

Gene: GATA2 (GATA binding protein 2; minus strand). Cytogenetic location: 3q21.3.
Variant type: single nucleotide variant.
Coding change: c.444C>G on transcript NM_032638.5 (MANE Select); coding-DNA position 444, C replaced by G.
Protein change: p.Ser148Arg; replaces serine 148 with arginine.
Molecular consequence: missense variant.
Genome position (GRCh38, 1-based): chr3:128,486,154, G>C on the plus strand (C>G on the coding strand, the complement: GATA2 is on the minus strand). VCF-style: chr3-128486154-G-C. GRCh37 (hg19) VCF-style: chr3-128204997-G-C.
Other names: c.444C>G, p.Ser148Arg (NM_001145661.2, NM_001145662.1); short protein forms S148R.
Identifiers: ClinVar variation 2397689 (VCV002397689.3), dbSNP rs1399340424, ClinGen allele CA354406740.